The following is an entry in ClinVar:

ClinVar aggregate classification (germline): Uncertain significance. Review status: criteria provided, multiple submitters, no conflicts (2 of 4 stars). 6 submissions from 6 submitters: Uncertain significance (5). 1 of the submissions does not count toward it. Last evaluated 2025-04-03.

Conditions:
Inborn genetic diseases. Identifiers: MedGen C0950123, MeSH D030342.
Usher syndrome type 1B (USH1B). Also called: Usher syndrome type IB. Identifiers: MedGen C1848638, MONDO:0700087.

Allele frequency attached by ClinVar (database versions not stated): ExAC below 0.00001; gnomAD 0.00001; gnomAD exomes 0.00003; TOPMed 0.00003; ESP Exome Variant Server 0.00008.
gnomAD v4.1: 37 of 1,581,760 alleles (0.0023%); highest among the groups gnomAD compares: Non-Finnish European, 0.0032%; no homozygotes.

Submissions (6):

Labcorp Genetics (formerly Invitae), Labcorp
Classification: Uncertain significance. Last evaluated: 2025-04-03. Review status: criteria provided, single submitter. Criteria: Invitae Variant Classification Sherloc (09022015). Collection method: clinical testing. Allele origin: germline.
Comment: This sequence change replaces methionine, which is neutral and non-polar, with isoleucine, which is neutral and non-polar, at codon 2190 of the MYO7A protein (p.Met2190Ile). This variant is present in population databases (rs376900309, gnomAD 0.008%). This variant has not been reported in the literature in individuals affected with MYO7A-related conditions. ClinVar contains an entry for this variant (Variation ID: 43336). Invitae Evidence Modeling of protein sequence and biophysical properties (such as structural, functional, and spatial information, amino acid conservation, physicochemical variation, residue mobility, and thermodynamic stability) indicates that this missense variant is not expected to disrupt MYO7A protein function with a negative predictive value of 95%. Algorithms developed to predict the effect of sequence changes on RNA splicing suggest that this variant may disrupt the consensus splice site. This variant disrupts the p.Met2190 amino acid residue in MYO7A. Other variant(s) that disrupt this residue have been determined to be pathogenic (PMID: 34948090). This suggests that this residue is clinically significant, and that variants that disrupt this residue are likely to be disease-causing. In summary, the available evidence is currently insufficient to determine the role of this variant in disease. Therefore, it has been classified as a Variant of Uncertain Significance.

Ambry Genetics
Classification: Uncertain significance for Inborn genetic diseases. Last evaluated: 2024-11-25. Review status: criteria provided, single submitter. Criteria: Ambry Variant Classification Scheme 2023. Collection method: clinical testing. Allele origin: germline.

Blueprint Genetics
Classification: Uncertain significance. Last evaluated: 2024-06-20. Review status: criteria provided, single submitter. Criteria: ACMG Guidelines, 2015. Collection method: clinical testing. Allele origin: germline.

GeneDx
Classification: Uncertain significance. Last evaluated: 2021-01-08. Review status: criteria provided, single submitter. Criteria: GeneDx Variant Classification Process June 2021. Collection method: clinical testing. Allele origin: germline. Affected: yes.
Comment: In silico analysis supports that this missense variant has a deleterious effect on protein structure/function; Has not been previously published as pathogenic or benign to our knowledge

Laboratory for Molecular Medicine, Mass General Brigham Personalized Medicine
Classification: Uncertain significance. Last evaluated: 2010-04-28. Review status: criteria provided, single submitter. Criteria: LMM Criteria. Collection method: clinical testing. Allele origin: germline. Observed: 1 variant allele.

Natera, Inc.
Classification: Uncertain significance for Usher syndrome type 1B. Last evaluated: 2019-11-11. Review status: no assertion criteria provided. Collection method: clinical testing. Allele origin: germline. Not counted in ClinVar's aggregate classification.

Literature cited by the submitters: PubMed 34948090 (cited by Labcorp Genetics (formerly Invitae), Labcorp).

NM_000260.4(MYO7A):c.6570G>A (p.Met2190Ile)

Gene: MYO7A (myosin VIIA; plus strand). Cytogenetic location: 11q13.5.
Variant type: single nucleotide variant.
Coding change: c.6570G>A on transcript NM_000260.4 (MANE Select); coding-DNA position 6570, G replaced by A.
Protein change: p.Met2190Ile; replaces methionine 2190 with isoleucine.
Molecular consequence: missense variant.
Genome position (GRCh38, 1-based): chr11:77,214,618, G>A. VCF-style: chr11-77214618-G-A. GRCh37 (hg19) VCF-style: chr11-76925663-G-A.
Other names: c.6450G>A, p.Met2150Ile (NM_001127180.2); c.6423G>A, p.Met2141Ile (NM_001369365.1); short protein forms M2190I, M2141I, M2150I.
Identifiers: ClinVar variation 43336 (VCV000043336.12), dbSNP rs376900309, ClinGen allele CA132441.